The following is an entry in ClinVar:

ClinVar aggregate classification (germline): Uncertain significance (1 of 4 stars; one submission).

Submission:

Ambry Genetics
Classification: Uncertain significance. Last evaluated: 2022-09-18. Review status: criteria provided, single submitter. Criteria: Ambry Variant Classification Scheme 2023. Collection method: clinical testing. Allele origin: germline.
Comment: The p.G1073R variant (also known as c.3217G>C), located in coding exon 18 of the PALLD gene, results from a G to C substitution at nucleotide position 3217. The glycine at codon 1073 is replaced by arginine, an amino acid with dissimilar properties. This amino acid position is conserved. In addition, the in silico prediction for this alteration is inconclusive. Since supporting evidence is limited at this time, the clinical significance of this alteration remains unclear.

NM_001166108.2(PALLD):c.3268G>C (p.Gly1090Arg)

Genes: CBR4 (carbonyl reductase 4; minus strand), PALLD (palladin, cytoskeletal associated protein; plus strand). Cytogenetic location: 4q32.3.
Variant type: single nucleotide variant.
Coding change: c.3268G>C on transcript NM_001166108.2 (MANE Select); coding-DNA position 3268, G replaced by C.
Protein change: p.Gly1090Arg; replaces glycine 1090 with arginine.
Molecular consequence: missense variant.
Genome position (GRCh38, 1-based): chr4:168,924,988, G>C. VCF-style: chr4-168924988-G-C. GRCh37 (hg19) VCF-style: chr4-169846139-G-C.
Other names: c.2071G>C, p.Gly691Arg (NM_001166109.2); c.1756G>C, p.Gly586Arg (NM_001166110.2); c.1096G>C, p.Gly366Arg (NM_001367567.1, NM_001367569.1); c.1147G>C, p.Gly383Arg (NM_001367568.1, NM_001367570.1); c.3217G>C, p.Gly1073Arg (NM_016081.4); short protein forms G366R, G586R, G691R, G1073R, G1090R, G383R.
Identifiers: ClinVar variation 1729007 (VCV001729007.2), dbSNP rs2534267883, ClinGen allele CA358713710.
Genomic context (GRCh38, chr4:168,924,988, plus strand): 5'-TTTATCCTTTTCTCCAGCATGCACCAGGACAACCACGGCTACATCTGCCTGCTCATTCAG[G>C]GAGCCACAAAAGAAGATGCTGGGTGGTATACTGTGTCAGCCAAGAATGAAGCAGGGATTG-3'
Protein context (NP_001159580.1, residues 1080-1100): NHGYICLLIQ[Gly1090Arg]ATKEDAGWYT